The following is an entry in ClinVar:

NM_004525.3(LRP2):c.5857C>T (p.Arg1953Ter)

Gene: LRP2 (LDL receptor related protein 2; minus strand). Cytogenetic location: 2q31.1.
Variant type: single nucleotide variant.
Coding change: c.5857C>T on transcript NM_004525.3 (MANE Select); coding-DNA position 5857, C replaced by T.
Protein change: p.Arg1953Ter; replaces arginine 1953 with a stop codon.
Molecular consequence: nonsense.
Genome position (GRCh38, 1-based): chr2:169,213,840, G>A on the plus strand (C>T on the coding strand, the complement: LRP2 is on the minus strand). VCF-style: chr2-169213840-G-A. GRCh37 (hg19) VCF-style: chr2-170070350-G-A.
Other names: short protein forms R1953*.
Identifiers: ClinVar variation 3584816 (VCV003584816.4).
Genomic context (GRCh38, chr2:169,213,840, plus strand): 5'-GGAAAGAATCATGGACTGCAATTCCCCAGGGGTGGGAAAGCTGGTGTACCAGGATCATTC[G>A]ATCTGTTCCATCCACGTTTCCTCTTTCAATCTAAAGGATTGGAATTTTCATTAGTTTCAT-3'

ClinVar aggregate classification (germline): Pathogenic/Likely pathogenic. Review status: criteria provided, multiple submitters, no conflicts (2 of 4 stars). 3 submissions from 3 submitters: Pathogenic (2); Likely pathogenic (1). Last evaluated 2024-09-03.

Conditions:
Donnai-Barrow syndrome. Also called: DBS/FOAR SYNDROME; FACIOOCULOACOUSTICORENAL SYNDROME. Identifiers: Orphanet 2143, MedGen C1857277, MONDO:0009104, OMIM 222448.

gnomAD v4.1: 1 of 1,613,508 alleles (0.000062%); highest among the groups gnomAD compares: Non-Finnish European, 0.000085%; no homozygotes.

Submissions (3):

Myriad Genetics, Inc.
Classification: Pathogenic for Donnai-Barrow syndrome. Last evaluated: 2024-09-03. Review status: criteria provided, single submitter. Criteria: Myriad Autosomal Dominant, Autosomal Recessive and X-Linked Classification Criteria (2023). Collection method: clinical testing. Allele origin: unknown.
Comment: NM_004525.2(LRP2):c.5857C>T(R1953*) is expected to be pathogenic in the context of Donnai-Barrow syndrome. This variant is predicted to lead to an abnormal or absent protein product due to the creation of a premature termination codon in LRP2, a gene where loss-of-function variants are known to be pathogenic. Please note: this variant was assessed in the context of healthy population screening.

Fulgent Genetics
Classification: Likely pathogenic for Donnai-Barrow syndrome. Last evaluated: 2024-05-13. Review status: criteria provided, single submitter. Criteria: ACMG Guidelines, 2015. Collection method: clinical testing. Allele origin: germline.

Labcorp Genetics (formerly Invitae), Labcorp
Classification: Pathogenic. Last evaluated: 2024-02-16. Review status: criteria provided, single submitter. Criteria: Invitae Variant Classification Sherloc (09022015). Collection method: clinical testing. Allele origin: germline.
Comment: This sequence change creates a premature translational stop signal (p.Arg1953*) in the LRP2 gene. It is expected to result in an absent or disrupted protein product. Loss-of-function variants in LRP2 are known to be pathogenic (PMID: 17632512, 25682901). This variant is not present in population databases (gnomAD no frequency). This variant has not been reported in the literature in individuals affected with LRP2-related conditions. For these reasons, this variant has been classified as Pathogenic.

Literature cited by the submitters: PubMed 17632512 (cited by Labcorp Genetics (formerly Invitae), Labcorp); PubMed 25682901 (cited by Labcorp Genetics (formerly Invitae), Labcorp).